The following is an entry in ClinVar:

NM_199355.4(ADAMTS18):c.1998G>A (p.Trp666Ter)

Gene: ADAMTS18 (ADAM metallopeptidase with thrombospondin type 1 motif 18; minus strand). Cytogenetic location: 16q23.1.
Variant type: single nucleotide variant.
Coding change: c.1998G>A on transcript NM_199355.4 (MANE Select); coding-DNA position 1998, G replaced by A.
Protein change: p.Trp666Ter; replaces tryptophan 666 with a stop codon.
Molecular consequence: nonsense.
Genome position (GRCh38, 1-based): chr16:77,325,900, C>T on the plus strand (G>A on the coding strand, the complement: ADAMTS18 is on the minus strand). VCF-style: chr16-77325900-C-T. GRCh37 (hg19) VCF-style: chr16-77359797-C-T.
Other names: c.1482G>A, p.Trp494Ter (NM_001326358.2); short protein forms W494*, W666*.
Identifiers: ClinVar variation 1071878 (VCV001071878.7), dbSNP rs1254842178, ClinGen allele CA396828994.

ClinVar aggregate classification (germline): Pathogenic (1 of 4 stars; one submission).

Allele frequency attached by ClinVar (database versions not stated): gnomAD exomes below 0.00001.
gnomAD v4.1: 2 of 1,614,018 alleles (0.00012%); highest among the groups gnomAD compares: Non-Finnish European, 0.00017%; no homozygotes.

Submission:

Labcorp Genetics (formerly Invitae), Labcorp
Classification: Pathogenic. Last evaluated: 2017-09-18. Review status: criteria provided, single submitter. Criteria: Invitae Variant Classification Sherloc (09022015). Collection method: clinical testing. Allele origin: germline.
Comment: For these reasons, this variant has been classified as Pathogenic. Loss-of-function variants in ADAMTS18 are known to be pathogenic (PMID: 23818446). This variant has not been reported in the literature in individuals with ADAMTS18-related disease. This variant is not present in population databases (ExAC no frequency). This sequence change creates a premature translational stop signal (p.Trp666*) in the ADAMTS18 gene. It is expected to result in an absent or disrupted protein product.

Literature cited by the submitters: PubMed 23818446.